The following is an entry in ClinVar:

NM_005654.6(NR2F1):c.533C>T (p.Pro178Leu)

Gene: NR2F1 (nuclear receptor subfamily 2 group F member 1; plus strand). Cytogenetic location: 5q15.
Variant type: single nucleotide variant.
Coding change: c.533C>T on transcript NM_005654.6 (MANE Select); coding-DNA position 533, C replaced by T.
Protein change: p.Pro178Leu; replaces proline 178 with leucine.
Molecular consequence: missense variant.
Genome position (GRCh38, 1-based): chr5:93,587,986, C>T. VCF-style: chr5-93587986-C-T. GRCh37 (hg19) VCF-style: chr5-92923692-C-T.
Other names: short protein forms P178L.
Identifiers: ClinVar variation 1022849 (VCV001022849.9), dbSNP rs1161717916, ClinGen allele CA360526518.

ClinVar aggregate classification (germline): Uncertain significance. Review status: criteria provided, multiple submitters, no conflicts (2 of 4 stars). 2 submissions from 2 submitters: Uncertain significance (2). Last evaluated 2024-08-19.

Allele frequency attached by ClinVar (database versions not stated): gnomAD exomes below 0.00001; gnomAD 0.00001; TOPMed 0.00002.

Submissions (2):

Labcorp Genetics (formerly Invitae), Labcorp
Classification: Uncertain significance. Last evaluated: 2024-08-19. Review status: criteria provided, single submitter. Criteria: Invitae Variant Classification Sherloc (09022015). Collection method: clinical testing. Allele origin: germline.
Comment: This sequence change replaces proline, which is neutral and non-polar, with leucine, which is neutral and non-polar, at codon 178 of the NR2F1 protein (p.Pro178Leu). This variant is not present in population databases (gnomAD no frequency). This variant has not been reported in the literature in individuals affected with NR2F1-related conditions. ClinVar contains an entry for this variant (Variation ID: 1022849). Invitae Evidence Modeling of protein sequence and biophysical properties (such as structural, functional, and spatial information, amino acid conservation, physicochemical variation, residue mobility, and thermodynamic stability) indicates that this missense variant is not expected to disrupt NR2F1 protein function with a negative predictive value of 80%. In summary, the available evidence is currently insufficient to determine the role of this variant in disease. Therefore, it has been classified as a Variant of Uncertain Significance.

Blueprint Genetics
Classification: Uncertain significance. Last evaluated: 2019-12-23. Review status: criteria provided, single submitter. Criteria: ACMG Guidelines, 2015. Collection method: clinical testing. Allele origin: germline.